The following is an entry in ClinVar:

ClinVar aggregate classification (germline): Benign. Review status: criteria provided, multiple submitters, no conflicts (2 of 4 stars). 4 submissions from 4 submitters: Benign (3). 1 of the submissions does not count toward it. Last evaluated 2026-01-16.

Conditions:
EXPH5-related disorder. Also called: EXPH5-related condition.

Allele frequency attached by ClinVar (database versions not stated): 1000 Genomes Project 0.00260; 1000 Genomes Project 30x 0.00281; gnomAD exomes 0.00541; gnomAD 0.00553 and 0.00562; TOPMed 0.00563; ExAC 0.00593; ESP Exome Variant Server 0.00792.
gnomAD v4.1: 14,840 of 1,607,232 alleles (0.92%); highest among the groups gnomAD compares: Non-Finnish European, 1.1%; 93 homozygotes.

Submissions (4):

Labcorp Genetics (formerly Invitae), Labcorp
Classification: Benign. Last evaluated: 2026-01-16. Review status: criteria provided, single submitter. Criteria: Invitae Variant Classification Sherloc (09022015). Collection method: clinical testing. Allele origin: germline.

CeGaT Center for Human Genetics Tuebingen
Classification: Benign. Last evaluated: 2022-10-01. Review status: criteria provided, single submitter. Criteria: CeGaT Center For Human Genetics Tuebingen Variant Classification Criteria Version 2. Collection method: clinical testing. Allele origin: germline. Affected: yes. Observed: 2 variant alleles.
Comment: EXPH5: BP4, BS1, BS2

Breakthrough Genomics
Classification: Benign. Review status: criteria provided, single submitter. Criteria: ACMG Guidelines, 2015. Collection method: not provided. Allele origin: germline. Inheritance: Autosomal recessive inheritance. Affected: yes.

PreventionGenetics, part of Exact Sciences
Classification: Likely benign for EXPH5-related condition. Last evaluated: 2024-01-19. Review status: no assertion criteria provided. Collection method: clinical testing. Allele origin: germline. Not counted in ClinVar's aggregate classification.
Comment: This variant is classified as likely benign based on ACMG/AMP sequence variant interpretation guidelines (Richards et al. 2015 PMID: 25741868, with internal and published modifications).

NM_015065.3(EXPH5):c.1568A>G (p.His523Arg)

Gene: EXPH5 (exophilin 5; minus strand). Cytogenetic location: 11q22.3.
Variant type: single nucleotide variant.
Coding change: c.1568A>G on transcript NM_015065.3 (MANE Select); coding-DNA position 1568, A replaced by G.
Protein change: p.His523Arg; replaces histidine 523 with arginine.
Molecular consequence: missense variant.
Genome position (GRCh38, 1-based): chr11:108,513,939, T>C on the plus strand (A>G on the coding strand, the complement: EXPH5 is on the minus strand). VCF-style: chr11-108513939-T-C. GRCh37 (hg19) VCF-style: chr11-108384666-T-C.
Other names: c.1340A>G, p.His447Arg (NM_001144763.2); c.1100A>G, p.His367Arg (NM_001144764.2); c.1004A>G, p.His335Arg (NM_001144765.2); c.1547A>G, p.His516Arg (NM_001308019.2); c.1568A>G (NM_015065.2); short protein forms H335R, H367R, H447R, H516R, H523R.
Identifiers: ClinVar variation 1536902 (VCV001536902.33), dbSNP rs12146512, ClinGen allele CA6268007.
Genomic context (GRCh38, chr11:108,513,939, plus strand): 5'-CTGGAAACATCTGTTCCATAACCAGAAGAAAATGATTCCCAGTGTTCAGAAGAAACATTA[T>C]GGCCATGAATGGCTGATACACTATTTGCTTCCATGGAAATCATTTCAAAGTCTCTGTCAG-3'
Protein context (NP_055880.2, residues 513-533): EANSVSAIHG[His523Arg]NVSSEHWESF